The following is an entry in ClinVar:

ClinVar aggregate classification (germline): Uncertain significance (1 of 4 stars; one submission).

Conditions:
Early-infantile DEE. Also called: Ohtahara syndrome; Early infantile epileptic encephalopathy with suppression bursts; Early infantile epileptic encephalopathy. Identifiers: Orphanet 1934, MedGen C0393706, MONDO:0800491.

Submission:

Labcorp Genetics (formerly Invitae), Labcorp
Classification: Uncertain significance for Early-infantile DEE. Last evaluated: 2024-02-24. Review status: criteria provided, single submitter. Criteria: Invitae Variant Classification Sherloc (09022015). Collection method: clinical testing. Allele origin: germline.
Comment: This sequence change replaces glutamic acid, which is acidic and polar, with glutamine, which is neutral and polar, at codon 1455 of the SCN1A protein (p.Glu1455Gln). This variant is not present in population databases (gnomAD no frequency). This variant has not been reported in the literature in individuals affected with SCN1A-related conditions. ClinVar contains an entry for this variant (Variation ID: 1428699). Advanced modeling of protein sequence and biophysical properties (such as structural, functional, and spatial information, amino acid conservation, physicochemical variation, residue mobility, and thermodynamic stability) has been performed at Invitae for this missense variant, however the output from this modeling did not meet the statistical confidence thresholds required to predict the impact of this variant on SCN1A protein function. Algorithms developed to predict the effect of sequence changes on RNA splicing suggest that this variant may disrupt the consensus splice site. In summary, the available evidence is currently insufficient to determine the role of this variant in disease. Therefore, it has been classified as a Variant of Uncertain Significance.

NM_001165963.4(SCN1A):c.4363G>C (p.Glu1455Gln)

Genes: SCN1A (sodium voltage-gated channel alpha subunit 1; minus strand), LOC102724058 (uncharacterized LOC102724058; plus strand). Cytogenetic location: 2q24.3.
Variant type: single nucleotide variant.
Coding change: c.4363G>C on transcript NM_001165963.4 (MANE Select); coding-DNA position 4363, G replaced by C.
Protein change: p.Glu1455Gln; replaces glutamic acid 1455 with glutamine.
Molecular consequence: missense variant. On other transcripts: non-coding transcript variant (1).
Genome position (GRCh38, 1-based): chr2:165,998,151, C>G on the plus strand (G>C on the coding strand, the complement: SCN1A is on the minus strand). VCF-style: chr2-165998151-C-G. GRCh37 (hg19) VCF-style: chr2-166854661-C-G.
Other names: c.4279G>C, p.Glu1427Gln (NM_001165964.3, NM_001353957.2, NM_001353958.2); c.4363G>C, p.Glu1455Gln (NM_001202435.3, NM_001353948.2); c.4330G>C, p.Glu1444Gln (NM_001353949.2, NM_001353950.2, NM_001353951.2 and 2 more transcripts); c.4327G>C, p.Glu1443Gln (NM_001353954.2, NM_001353955.2); c.4276G>C, p.Glu1426Gln (NM_001353960.2); c.1921G>C, p.Glu641Gln (NM_001353961.2); short protein forms E1426Q, E1443Q, E1427Q, E1444Q, E641Q, E1455Q.
Identifiers: ClinVar variation 1428699 (VCV001428699.9), dbSNP rs1131691600, ClinGen allele CA349049461.